The following is an entry in ClinVar:

NM_000340.2(SLC2A2):c.620G>A (p.Gly207Asp)

Gene: SLC2A2 (solute carrier family 2 member 2; minus strand). Cytogenetic location: 3q26.2.
Variant type: single nucleotide variant.
Coding change: c.620G>A on transcript NM_000340.2 (MANE Select); coding-DNA position 620, G replaced by A.
Protein change: p.Gly207Asp; replaces glycine 207 with aspartic acid.
Molecular consequence: missense variant.
Genome position (GRCh38, 1-based): chr3:171,006,098, C>T on the plus strand (G>A on the coding strand, the complement: SLC2A2 is on the minus strand). VCF-style: chr3-171006098-C-T. GRCh37 (hg19) VCF-style: chr3-170723887-C-T.
Other names: c.263G>A, p.Gly88Asp (NM_001278658.2); c.101G>A, p.Gly34Asp (NM_001278659.2); short protein forms G207D, G34D, G88D.
Identifiers: ClinVar variation 1312002 (VCV001312002.3), dbSNP rs2108244503, ClinGen allele CA355489762.
Genomic context (GRCh38, chr3:171,006,098, plus strand): 5'-ACACCAGACAGGCCAAGCAGGATGTGCCACAGATCATAATTGCCCAAGATAAATTCAAGA[C>T]CAATAATCTGAAAATGCAAGGAGGAAGTATATCAACTACATAATACTTTGGATCTACCTT-3'
Protein context (NP_000331.1, residues 197-217): VTGILISQII[Gly207Asp]LEFILGNYDL

ClinVar aggregate classification (germline): Uncertain significance (1 of 4 stars; one submission).

Submission:

GeneDx
Classification: Uncertain significance. Last evaluated: 2024-03-12. Review status: criteria provided, single submitter. Criteria: GeneDx Variant Classification Process June 2021. Collection method: clinical testing. Allele origin: germline. Affected: yes.
Comment: Not observed in large population cohorts (gnomAD); In silico analysis, which includes protein predictors and evolutionary conservation, supports a deleterious effect; Has not been previously published as pathogenic or benign to our knowledge